The following is an entry in ClinVar:

ClinVar aggregate classification (germline): Uncertain significance (1 of 4 stars; one submission).

Conditions:
Kabuki syndrome. Also called: NIIKAWA-KUROKI SYNDROME; Kabuki make-up syndrome. Identifiers: Orphanet 2322, MedGen C0796004, MONDO:0016512.

Allele frequency attached by ClinVar (database versions not stated): gnomAD exomes below 0.00001; TOPMed below 0.00001.

Submission:

Labcorp Genetics (formerly Invitae), Labcorp
Classification: Uncertain significance for Kabuki syndrome. Last evaluated: 2025-08-15. Review status: criteria provided, single submitter. Criteria: Invitae Variant Classification Sherloc (09022015). Collection method: clinical testing. Allele origin: germline.
Comment: This sequence change replaces leucine, which is neutral and non-polar, with glutamine, which is neutral and polar, at codon 4451 of the KMT2D protein (p.Leu4451Gln). This variant is not present in population databases (gnomAD no frequency). This variant has not been reported in the literature in individuals affected with KMT2D-related conditions. This missense change has been observed in at least one individual who was not affected with KMT2D-related conditions (internal data). ClinVar contains an entry for this variant (Variation ID: 3000271). Invitae Evidence Modeling of protein sequence and biophysical properties (such as structural, functional, and spatial information, amino acid conservation, physicochemical variation, residue mobility, and thermodynamic stability) has been performed for this missense variant. However, the output from this modeling did not meet the statistical confidence thresholds required to predict the impact of this variant on KMT2D protein function. In summary, the available evidence is currently insufficient to determine the role of this variant in disease. Therefore, it has been classified as a Variant of Uncertain Significance.

NM_003482.4(KMT2D):c.13352T>A (p.Leu4451Gln)

Gene: KMT2D (lysine methyltransferase 2D; minus strand). Cytogenetic location: 12q13.12.
Variant type: single nucleotide variant.
Coding change: c.13352T>A on transcript NM_003482.4 (MANE Select); coding-DNA position 13352, T replaced by A.
Protein change: p.Leu4451Gln; replaces leucine 4451 with glutamine.
Molecular consequence: missense variant.
Genome position (GRCh38, 1-based): chr12:49,031,353, A>T on the plus strand (T>A on the coding strand, the complement: KMT2D is on the minus strand). VCF-style: chr12-49031353-A-T. GRCh37 (hg19) VCF-style: chr12-49425136-A-T.
Other names: short protein forms L4451Q.
Identifiers: ClinVar variation 3000271 (VCV003000271.3), dbSNP rs1942900299, ClinGen allele CA384704932.
Genomic context (GRCh38, chr12:49,031,353, plus strand): 5'-TTCTTTGCCCGGAGTAGCTTCTGCAAGAGCAGATGCCCAGCTTCTGAGCGAGGGCCTGCC[A>T]GCAGGAGGTGGTTGCTGGTTCCTGGTGCCCCTATTGGCTCCCCATTGGCCTCCCTCTTCA-3'
Protein context (NP_003473.3, residues 4441-4461): GAPGTSNHLL[Leu4451Gln]AGPRSEAGHL